The following is an entry in ClinVar:

ClinVar aggregate classification (germline): Uncertain significance. Review status: criteria provided, multiple submitters, no conflicts (2 of 4 stars). 2 submissions from 2 submitters: Uncertain significance (2). Last evaluated 2024-11-25.

Conditions:
Inborn genetic diseases. Identifiers: MedGen C0950123, MeSH D030342.

gnomAD v4.1: 19 of 1,614,196 alleles (0.0012%); highest among the groups gnomAD compares: Non-Finnish European, 0.0016%; no homozygotes.

Submissions (2):

Ambry Genetics
Classification: Uncertain significance for Inborn genetic diseases. Last evaluated: 2024-11-25. Review status: criteria provided, single submitter. Criteria: Ambry Variant Classification Scheme 2023. Collection method: clinical testing. Allele origin: germline.
Comment: The p.I246N variant (also known as c.737T>A), located in coding exon 6 of the BMPR2 gene, results from a T to A substitution at nucleotide position 737. The isoleucine at codon 246 is replaced by asparagine, an amino acid with dissimilar properties. This amino acid position is conserved. In addition, this alteration is predicted to be deleterious by in silico analysis. Based on the available evidence, the clinical significance of this variant remains unclear.

GeneDx
Classification: Uncertain significance. Last evaluated: 2024-10-15. Review status: criteria provided, single submitter. Criteria: GeneDx Variant Classification Process June 2021. Collection method: clinical testing. Allele origin: germline. Affected: yes.
Comment: Not observed at significant frequency in large population cohorts (gnomAD); In silico analysis supports that this missense variant has a deleterious effect on protein structure/function; Has not been previously published as pathogenic or benign to our knowledge

NM_001204.7(BMPR2):c.737T>A (p.Ile246Asn)

Gene: BMPR2 (bone morphogenetic protein receptor type 2; plus strand). Cytogenetic location: 2q33.2.
Variant type: single nucleotide variant.
Coding change: c.737T>A on transcript NM_001204.7 (MANE Select); coding-DNA position 737, T replaced by A.
Protein change: p.Ile246Asn; replaces isoleucine 246 with asparagine.
Molecular consequence: missense variant.
Genome position (GRCh38, 1-based): chr2:202,518,937, T>A. VCF-style: chr2-202518937-T-A. GRCh37 (hg19) VCF-style: chr2-203383660-T-A.
Other names: short protein forms I246N.
Identifiers: ClinVar variation 3481295 (VCV003481295.2).